The following is an entry in ClinVar:

NM_005732.4(RAD50):c.3640C>G (p.Arg1214Gly)

Genes: TH2-LCR (Th2 cytokine locus control region; plus strand), RAD50 (RAD50 double strand break repair protein; plus strand), TH2LCRR (T helper type 2 locus control region associated RNA; minus strand). Cytogenetic location: 5q31.1.
Variant type: single nucleotide variant.
Coding change: c.3640C>G on transcript NM_005732.4 (MANE Select); coding-DNA position 3640, C replaced by G.
Protein change: p.Arg1214Gly; replaces arginine 1214 with glycine.
Molecular consequence: missense variant.
Genome position (GRCh38, 1-based): chr5:132,640,693, C>G. VCF-style: chr5-132640693-C-G. GRCh37 (hg19) VCF-style: chr5-131976385-C-G.
Other names: short protein forms R1214G.
Identifiers: ClinVar variation 3429485 (VCV003429485.1).
Genomic context (GRCh38, chr5:132,640,693, plus strand): 5'-GGTCTGTGCTGGGCTTCTCACATAGGGGCTTTTTTCCAGGTATTAGCCTCACTCATCATT[C>G]GCCTGGCCCTGGCTGAAACGTTCTGCCTCAACTGTGGCATCATTGCCTTGGATGAGCCAA-3'
Protein context (NP_005723.2, residues 1204-1224): GQKVLASLII[Arg1214Gly]LALAETFCLN

ClinVar aggregate classification (germline): Uncertain significance (1 of 4 stars; one submission).

Conditions:
Hereditary cancer-predisposing syndrome. Also called: Neoplastic Syndromes, Hereditary; Tumor predisposition; Hereditary Cancer Syndrome; Hereditary neoplastic syndrome. Identifiers: Orphanet 140162, MedGen C0027672, MeSH D009386, MONDO:0015356.

Submission:

Ambry Genetics
Classification: Uncertain significance for Hereditary cancer-predisposing syndrome. Last evaluated: 2024-07-28. Review status: criteria provided, single submitter. Criteria: Ambry Variant Classification Scheme 2023. Collection method: clinical testing. Allele origin: germline.
Comment: The p.R1214G variant (also known as c.3640C>G), located in coding exon 24 of the RAD50 gene, results from a C to G substitution at nucleotide position 3640. The arginine at codon 1214 is replaced by glycine, an amino acid with dissimilar properties. This amino acid position is conserved. In addition, this alteration is predicted to be deleterious by in silico analysis. Based on the available evidence, the clinical significance of this variant remains unclear.